The following is an entry in ClinVar:

NM_000245.4(MET):c.1216T>G (p.Ser406Ala)

Gene: MET (MET proto-oncogene, receptor tyrosine kinase; plus strand). Cytogenetic location: 7q31.2.
Variant type: single nucleotide variant.
Coding change: c.1216T>G on transcript NM_000245.4 (MANE Select); coding-DNA position 1216, T replaced by G.
Protein change: p.Ser406Ala; replaces serine 406 with alanine.
Molecular consequence: missense variant. On other transcripts: 5 prime UTR variant (1).
Genome position (GRCh38, 1-based): chr7:116,731,683, T>G. VCF-style: chr7-116731683-T-G. GRCh37 (hg19) VCF-style: chr7-116371737-T-G.
Other names: c.1216T>G, p.Ser406Ala (NM_001127500.3, NM_001324401.3); c.-75T>G (NM_001324402.2); short protein forms S406A.
Identifiers: ClinVar variation 3643516 (VCV003643516.2).
Genomic context (GRCh38, chr7:116,731,683, plus strand): 5'-TCATGTCTGGATTCACATTAACTCTATGACCATATTTTATTCCAGACACTTCTGAGAAAT[T>G]CATCAGGCTGTGAAGCGCGCCGTGATGAATATCGAACAGAGTTTACCACAGCTTTGCAGC-3'
Protein context (NP_000236.2, residues 396-416): HCFNRTLLRN[Ser406Ala]SGCEARRDEY

ClinVar aggregate classification (germline): Uncertain significance (1 of 4 stars; one submission).

Conditions:
Renal cell carcinoma. Identifiers: Orphanet 217071, MedGen C0007134, MeSH D002292, MONDO:0005086, HP:0005584.

Submission:

Labcorp Genetics (formerly Invitae), Labcorp
Classification: Uncertain significance for Renal cell carcinoma. Last evaluated: 2024-02-27. Review status: criteria provided, single submitter. Criteria: Invitae Variant Classification Sherloc (09022015). Collection method: clinical testing. Allele origin: germline.
Comment: This sequence change replaces serine, which is neutral and polar, with alanine, which is neutral and non-polar, at codon 406 of the MET protein (p.Ser406Ala). This variant is not present in population databases (gnomAD no frequency). This variant has not been reported in the literature in individuals affected with MET-related conditions. Advanced modeling of protein sequence and biophysical properties (such as structural, functional, and spatial information, amino acid conservation, physicochemical variation, residue mobility, and thermodynamic stability) performed at Invitae indicates that this missense variant is not expected to disrupt MET protein function with a negative predictive value of 80%. In summary, the available evidence is currently insufficient to determine the role of this variant in disease. Therefore, it has been classified as a Variant of Uncertain Significance.